The following is an entry in ClinVar:

ClinVar aggregate classification (germline): Uncertain significance. Review status: criteria provided, multiple submitters, no conflicts (2 of 4 stars). 7 submissions from 7 submitters: Uncertain significance (7). Last evaluated 2025-10-02.

Conditions:
Cardiovascular phenotype. Identifiers: MedGen CN230736.
Myofibrillar myopathy 4. Also called: Zaspopathy (type). Identifiers: Orphanet 98912, MedGen C4721886, MONDO:0012277, OMIM 609452.

Allele frequency attached by ClinVar (database versions not stated): gnomAD 0.00002; gnomAD exomes 0.00004 and 0.00005; ExAC 0.00005; TOPMed 0.00005; 1000 Genomes Project 30x 0.00016; 1000 Genomes Project 0.00020.
gnomAD v4.1: 68 of 1,600,068 alleles (0.0042%); highest among the groups gnomAD compares: Non-Finnish European, 0.0054%; no homozygotes.

Submissions (7):

Labcorp Genetics (formerly Invitae), Labcorp
Classification: Uncertain significance for Myofibrillar myopathy 4. Last evaluated: 2025-10-02. Review status: criteria provided, single submitter. Criteria: Invitae Variant Classification Sherloc (09022015). Collection method: clinical testing. Allele origin: germline.
Comment: The LDB3 gene has multiple clinically relevant transcripts. This variant occurs in alternate transcript NM_007078.3, and corresponds to NM_001080116.1:c.321+1613G>A in the primary transcript. This sequence change replaces arginine, which is basic and polar, with glutamine, which is neutral and polar, at codon 219 of the LDB3 protein (p.Arg219Gln). This variant is present in population databases (rs530979771, gnomAD 0.006%). This missense change has been observed in individual(s) with clinical features of LDB3-related conditions (PMID: 27662471; internal data). ClinVar contains an entry for this variant (Variation ID: 179653). Experimental studies and prediction algorithms are not available or were not evaluated, and the functional significance of this variant is currently unknown. Algorithms developed to predict the effect of sequence changes on RNA splicing suggest that this variant is not likely to affect RNA splicing. In summary, the available evidence is currently insufficient to determine the role of this variant in disease. Therefore, it has been classified as a Variant of Uncertain Significance.

Ambry Genetics
Classification: Uncertain significance for Cardiovascular phenotype. Last evaluated: 2024-10-19. Review status: criteria provided, single submitter. Criteria: Ambry Variant Classification Scheme 2023. Collection method: clinical testing. Allele origin: germline.
Comment: The p.R219Q variant (also known as c.656G>A), located in coding exon 4 of the LDB3 gene, results from a G to A substitution at nucleotide position 656. The arginine at codon 219 is replaced by glutamine, an amino acid with highly similar properties. This variant was reported in an individual with idiopathic restrictive cardiomyopathy, who also had additional cardiac variants detected (Kostareva A et al. PLoS ONE Sep;11:e0163362). This amino acid position is well conserved in available vertebrate species. In addition, this alteration is predicted to be tolerated by in silico analysis. Since supporting evidence is limited at this time, the clinical significance of this alteration remains unclear.

Women's Health and Genetics/Laboratory Corporation of America, LabCorp
Classification: Uncertain significance. Last evaluated: 2024-09-30. Review status: criteria provided, single submitter. Criteria: LabCorp Variant Classification Summary - May 2015. Collection method: clinical testing. Allele origin: germline.
Comment: Variant summary: LDB3 c.656G>A (p.Arg219Gln) results in a conservative amino acid change located in the PDZ and LIM domain protein 1-4/Zasp-like, middle domain (IPR031847) of the encoded protein sequence. Four of five in-silico tools predict a benign effect of the variant on protein function. The variant allele was found at a frequency of 4.1e-05 in 241616 control chromosomes. This frequency is not significantly higher than estimated for a pathogenic variant in LDB3 causing Hypertrophic Cardiomyopathy (4.1e-05 vs 7.5e-05), allowing no conclusion about variant significance. c.656G>A has been reported in the literature in the heterozgous state in at least one individual affected with restrictive cardiomyopathy who also carreid a variant in MYH7 (Kistareva_2016). These report(s) do not provide unequivocal conclusions about association of the variant with Hypertrophic Cardiomyopathy. To our knowledge, no experimental evidence demonstrating an impact on protein function has been reported. The following publication have been ascertained in the context of this evaluation (PMID: 27662471). ClinVar contains an entry for this variant (Variation ID: 179653). Based on the evidence outlined above, the variant was classified as uncertain significance.

GeneDx
Classification: Uncertain significance. Last evaluated: 2020-01-16. Review status: criteria provided, single submitter. Criteria: GeneDx Variant Classification Process June 2021. Collection method: clinical testing. Allele origin: germline. Affected: yes.
Comment: Has not been previously published as pathogenic or benign to our knowledge; Reported in ClinVar as a variant of uncertain significance (ClinVar Variant ID# 179653; Landrum et al., 2016); In silico analysis, which includes protein predictors and evolutionary conservation, supports that this variant does not alter protein structure/function

Stanford Center for Inherited Cardiovascular Disease, Stanford University
Classification: Uncertain significance. Last evaluated: 2017-10-30. Review status: criteria provided, single submitter. Criteria: ACMG Guidelines, 2015. Collection method: provider interpretation. Allele origin: germline.

Blueprint Genetics
Classification: Uncertain significance. Last evaluated: 2017-10-02. Review status: criteria provided, single submitter. Criteria: ACMG Guidelines, 2015. Collection method: clinical testing. Allele origin: germline.

Laboratory for Molecular Medicine, Mass General Brigham Personalized Medicine
Classification: Uncertain significance. Last evaluated: 2014-04-04. Review status: criteria provided, single submitter. Criteria: LMM Criteria. Collection method: clinical testing. Allele origin: germline. Observed: 1 variant allele.
Comment: The Arg219Gln variant in LDB3 has not been previously reported in individuals wi th cardiomyopathy or in large population studies. Computational prediction tools and conservation analysis suggest that the Arg219Gln variant may not impact the protein, though this information is not predictive enough to rule out pathogeni city. Additional information is needed to fully assess the clinical significance of the Arg219Gln variant.

Literature cited by the submitters: PubMed 27662471 (cited by 3 submitters).

NM_007078.3(LDB3):c.656G>A (p.Arg219Gln)

Gene: LDB3 (LIM domain binding 3; plus strand). Cytogenetic location: 10q23.2.
Variant type: single nucleotide variant.
Coding change: c.656G>A on transcript NM_007078.3 (MANE Select); coding-DNA position 656, G replaced by A.
Protein change: p.Arg219Gln; replaces arginine 219 with glutamine.
Molecular consequence: missense variant. On other transcripts: intron variant (5).
Genome position (GRCh38, 1-based): chr10:86,681,770, G>A. VCF-style: chr10-86681770-G-A. GRCh37 (hg19) VCF-style: chr10-88441527-G-A.
Other names: c.656G>A, p.Arg219Gln (NM_001080115.2, NM_001171610.2, NM_001171611.2 and 3 more transcripts); c.321+1613G>A (NM_001368068.1, NM_001368066.1, NM_001080114.2 and 2 more transcripts); short protein forms R219Q.
Identifiers: ClinVar variation 179653 (VCV000179653.21), dbSNP rs530979771, ClinGen allele CA184847.